The following is an entry in ClinVar:

ClinVar aggregate classification (germline): Uncertain significance (1 of 4 stars; one submission).

Conditions:
Popliteal pterygium syndrome (PPS). Identifiers: Orphanet 294963, MedGen C0265259, MONDO:0017435.
Orofacial cleft 6, susceptibility to (OFC6). Also called: CLEFT LIP WITH OR WITHOUT CLEFT PALATE, NONSYNDROMIC, 6. Identifiers: MedGen C1837213, MONDO:0012141, OMIM 608864.
Van der Woude syndrome 1. Also called: CLEFT LIP AND/OR PALATE WITH MUCOUS CYSTS OF LOWER LIP; van der Woude Syndrome (VWS). Identifiers: MedGen C4551864, MONDO:0007333, OMIM 119300.

Submission:

Labcorp Genetics (formerly Invitae), Labcorp
Classification: Uncertain significance for Orofacial cleft 6, susceptibility to; Van der Woude syndrome; Popliteal pterygium syndrome. Last evaluated: 2017-06-04. Review status: criteria provided, single submitter. Criteria: Invitae Variant Classification Sherloc (09022015). Collection method: clinical testing. Allele origin: germline.
Comment: This sequence change replaces tryptophan with glycine at codon 28 of the IRF6 protein (p.Trp28Gly). The tryptophan residue is highly conserved and there is a large physicochemical difference between tryptophan and glycine. This variant is not present in population databases (ExAC no frequency). This variant has not been reported in the literature in individuals with an IRF6-related disease. Algorithms developed to predict the effect of missense changes on protein structure and function do not agree on the potential impact of this missense change (SIFT: "Deleterious"; PolyPhen-2: "Probably Damaging"; Align-GVGD: "Class C0"). In summary, this variant has uncertain impact on IRF6 function. The available evidence is currently insufficient to determine its role in disease. Therefore, it has been classified as a Variant of Uncertain Significance.

NM_006147.4(IRF6):c.82T>G (p.Trp28Gly)

Gene: IRF6 (interferon regulatory factor 6; minus strand). Cytogenetic location: 1q32.2.
Variant type: single nucleotide variant.
Coding change: c.82T>G on transcript NM_006147.4 (MANE Select); coding-DNA position 82, T replaced by G.
Protein change: p.Trp28Gly; replaces tryptophan 28 with glycine.
Molecular consequence: missense variant. On other transcripts: intron variant (1).
Genome position (GRCh38, 1-based): chr1:209,801,332, A>C on the plus strand (T>G on the coding strand, the complement: IRF6 is on the minus strand). VCF-style: chr1-209801332-A-C. GRCh37 (hg19) VCF-style: chr1-209974677-A-C.
Other names: c.-112+4615T>G (NM_001206696.2); short protein forms W28G.
Identifiers: ClinVar variation 464464 (VCV000464464.1), dbSNP rs1553248637, ClinGen allele CA344585825.
Genomic context (GRCh38, chr1:209,801,332, plus strand): 5'-GGCTATGCCGGGTGGCATGTTTCCAGGGAATCTGGAAGCGTTTAGAGTCCCTGTGTAGCC[A>C]GATGAGCCCAGGGTAGAGGCCACTATCCACCTGGGCCACCAGCCAGGGCTTTAGCCGGAC-3'
Protein context (NP_006138.1, residues 18-38): VDSGLYPGLI[Trp28Gly]LHRDSKRFQI